The following is an entry in ClinVar:

ClinVar aggregate classification (germline): Benign/Likely benign. Review status: criteria provided, multiple submitters, no conflicts (2 of 4 stars). 3 submissions from 3 submitters: Benign (2); Likely benign (1). Last evaluated 2026-01-29.

Conditions:
Intellectual disability, autosomal recessive 53 (NEDHSCA). Also called: GLYCOSYLPHOSPHATIDYLINOSITOL BIOSYNTHESIS DEFECT 13; Mental retardation, autosomal recessive 53; NEURODEVELOPMENTAL DISORDER WITH OR WITHOUT HYPOTONIA, SEIZURES, AND CEREBELLAR ATROPHY. Identifiers: Orphanet 488635, MedGen C4310794, MONDO:0014832, OMIM 616917.

Allele frequency attached by ClinVar (database versions not stated): gnomAD exomes 0.00014 and 0.00040; ExAC 0.00057; TOPMed 0.00159; gnomAD 0.00165 and 0.00179; 1000 Genomes Project 0.00200; ESP Exome Variant Server 0.00215; 1000 Genomes Project 30x 0.00234.
gnomAD v4.1: 472 of 1,614,174 alleles (0.029%); highest among the groups gnomAD compares: African/African-American, 0.57%; 3 homozygotes.

Submissions (3):

Labcorp Genetics (formerly Invitae), Labcorp
Classification: Benign for Intellectual disability, autosomal recessive 53. Last evaluated: 2026-01-29. Review status: criteria provided, single submitter. Criteria: Invitae Variant Classification Sherloc (09022015). Collection method: clinical testing. Allele origin: germline.

Blueprint Genetics
Classification: Likely benign. Last evaluated: 2024-11-01. Review status: criteria provided, single submitter. Criteria: ACMG Guidelines, 2015. Collection method: clinical testing. Allele origin: germline.

Mayo Clinic Laboratories, Mayo Clinic
Classification: Benign. Last evaluated: 2023-04-21. Review status: criteria provided, single submitter. Criteria: ACMG Guidelines, 2015. Collection method: clinical testing. Allele origin: germline. Observed: 2 variant alleles.
Comment: BS1, BS2, BP4, BP7

NM_001127178.3(PIGG):c.1581C>T (p.Thr527=)

Gene: PIGG (phosphatidylinositol glycan anchor biosynthesis class G (EMM blood group); plus strand). Cytogenetic location: 4p16.3.
Variant type: single nucleotide variant.
Coding change: c.1581C>T on transcript NM_001127178.3 (MANE Select); coding-DNA position 1581, C replaced by T.
Protein change: p.Thr527=; no amino-acid change (threonine 527 retained).
Molecular consequence: synonymous variant. On other transcripts: 3 prime UTR variant (2), non-coding transcript variant (10).
Genome position (GRCh38, 1-based): chr4:521,908, C>T. VCF-style: chr4-521908-C-T. GRCh37 (hg19) VCF-style: chr4-515697-C-T.
Other names: p.Thr527=; c.1314C>T, p.Thr438= (NM_001289051.2, NM_001289053.2, NM_001345986.2); c.1182C>T, p.Thr394= (NM_001289052.2); c.*143C>T (NM_001289055.2); c.*196C>T (NM_001289057.2); c.1290C>T, p.Thr430= (NM_001345987.2); c.552C>T, p.Thr184= (NM_001345988.2); c.1581C>T, p.Thr527= (NM_001345989.2); and 3 more.
Identifiers: ClinVar variation 476320 (VCV000476320.14), dbSNP rs143989093, ClinGen allele CA2793354.
Genomic context (GRCh38, chr4:521,908, plus strand): 5'-GGCAGGTGGGGTGATGGTGCTGGCCTCGGCGCTGCTGTGTGTGATTGTGTCTGTTCTGAC[C>T]AACGTGCTCGTGGGTGGAAACACCCCAAGGAAGGTACGTACGGCTGGTTCCTGGGAGTGT-3'
Protein context (NP_001120650.1, residues 517-537): ALLCVIVSVL[Thr527=]NVLVGGNTPR